The following is an entry in ClinVar:

NM_000051.4(ATM):c.6452+6A>T

Genes: ATM (ATM serine/threonine kinase; plus strand), C11orf65 (chromosome 11 open reading frame 65; minus strand). Cytogenetic location: 11q22.3.
Variant type: single nucleotide variant.
Coding change: c.6452+6A>T on transcript NM_000051.4 (MANE Select); 6 bases into the intron after coding-DNA position 6452, A replaced by T.
Molecular consequence: intron variant.
Genome position (GRCh38, 1-based): chr11:108,320,064, A>T. VCF-style: chr11-108320064-A-T. GRCh37 (hg19) VCF-style: chr11-108190791-A-T.
Other names: c.6452+6A>T (NM_001351834.2); c.641-10993T>A (NM_001330368.2); c.*39-10993T>A (NM_001351110.2).
Identifiers: ClinVar variation 628405 (VCV000628405.11), dbSNP rs878853531, ClinGen allele CA913188405.

ClinVar aggregate classification (germline): Conflicting classifications of pathogenicity. Review status: criteria provided, conflicting classifications (1 of 4 stars). 3 submissions from 3 submitters: Uncertain significance (2); Likely benign (1). Last evaluated 2024-06-06.

Conditions:
Ataxia-telangiectasia syndrome (AT). Also called: Ataxia-telangiectasia, complementation group D; AT, COMPLEMENTATION GROUP C; ATAXIA-TELANGIECTASIA, COMPLEMENTATION GROUP A; ATAXIA-TELANGIECTASIA, FRESNO VARIANT; Ataxia-telangiectasia; LOUIS-BAR SYNDROME. Identifiers: Orphanet 100, MedGen C0004135, MONDO:0008840, OMIM 208900.
Familial cancer of breast. Also called: Hereditary breast cancer; BREAST CANCER, FAMILIAL; hereditary breast carcinoma. Identifiers: Orphanet 227535, MedGen C0346153, MONDO:0016419, OMIM 114480. Disease mechanism: loss of function.
Hereditary cancer-predisposing syndrome. Also called: Tumor predisposition; Hereditary neoplastic syndrome; Neoplastic Syndromes, Hereditary; Hereditary Cancer Syndrome. Identifiers: Orphanet 140162, MedGen C0027672, MeSH D009386, MONDO:0015356.

Submissions (3):

Myriad Genetics, Inc.
Classification: Likely benign for Familial cancer of breast. Last evaluated: 2024-06-06. Review status: criteria provided, single submitter. Criteria: Myriad Autosomal Dominant, Autosomal Recessive and X-Linked Classification Criteria (2023). Collection method: clinical testing. Allele origin: unknown.
Comment: This variant is considered likely benign. This variant is intronic and is not expected to impact mRNA splicing.

Labcorp Genetics (formerly Invitae), Labcorp
Classification: Uncertain significance for Ataxia-telangiectasia syndrome. Last evaluated: 2020-08-03. Review status: criteria provided, single submitter. Criteria: Invitae Variant Classification Sherloc (09022015). Collection method: clinical testing. Allele origin: germline.
Comment: In summary, the available evidence is currently insufficient to determine the role of this variant in disease. Therefore, it has been classified as a Variant of Uncertain Significance. Nucleotide substitutions within the consensus splice site are a relatively common cause of aberrant splicing (PMID: 17576681, 9536098). Algorithms developed to predict the effect of sequence changes on RNA splicing suggest that this variant is not likely to affect RNA splicing, but this prediction has not been confirmed by published transcriptional studies. This variant has not been reported in the literature in individuals with ATM-related conditions. ClinVar contains an entry for this variant (Variation ID: 628405). This variant is not present in population databases (ExAC no frequency). This sequence change falls in intron 44 of the ATM gene. It does not directly change the encoded amino acid sequence of the ATM protein, but it affects a nucleotide within the consensus splice site of the intron.

Color Diagnostics, LLC DBA Color Health
Classification: Uncertain significance for Hereditary cancer-predisposing syndrome. Last evaluated: 2018-11-14. Review status: criteria provided, single submitter. Criteria: ACMG Guidelines, 2015. Collection method: clinical testing. Allele origin: germline.

Literature cited by the submitters: PubMed 17576681 (cited by Labcorp Genetics (formerly Invitae), Labcorp); PubMed 9536098 (cited by Labcorp Genetics (formerly Invitae), Labcorp).